The following is an entry in ClinVar:

NM_005876.5(SPEG):c.7672T>A (p.Leu2558Ile)

Genes: ASIC4-AS1 (ASIC4 antisense RNA 1; minus strand), SPEG (striated muscle enriched protein kinase; plus strand). Cytogenetic location: 2q35.
Variant type: single nucleotide variant.
Coding change: c.7672T>A on transcript NM_005876.5 (MANE Select); coding-DNA position 7672, T replaced by A.
Protein change: p.Leu2558Ile; replaces leucine 2558 with isoleucine.
Molecular consequence: missense variant.
Genome position (GRCh38, 1-based): chr2:219,485,408, T>A. VCF-style: chr2-219485408-T-A. GRCh37 (hg19) VCF-style: chr2-220350130-T-A.
Other names: c.7672T>A (NM_005876.4); short protein forms L2558I.
Identifiers: ClinVar variation 2081381 (VCV002081381.2), dbSNP rs370944996, ClinGen allele CA2127246.

ClinVar aggregate classification (germline): Uncertain significance. Review status: criteria provided, multiple submitters, no conflicts (2 of 4 stars). 2 submissions from 2 submitters: Uncertain significance (2). Last evaluated 2025-01-20.

Conditions:
Inborn genetic diseases. Identifiers: MedGen C0950123, MeSH D030342.

Allele frequency attached by ClinVar (database versions not stated): ExAC 0.00003; ESP Exome Variant Server 0.00008; TOPMed 0.00008; gnomAD 0.00011.
gnomAD v4.1: 23 of 1,606,572 alleles (0.0014%); highest among the groups gnomAD compares: African/African-American, 0.03%; no homozygotes.

Submissions (2):

Ambry Genetics
Classification: Uncertain significance for Inborn genetic diseases. Last evaluated: 2025-01-20. Review status: criteria provided, single submitter. Criteria: Ambry Variant Classification Scheme 2023. Collection method: clinical testing. Allele origin: germline.

Labcorp Genetics (formerly Invitae), Labcorp
Classification: Uncertain significance. Last evaluated: 2022-07-10. Review status: criteria provided, single submitter. Criteria: Invitae Variant Classification Sherloc (09022015). Collection method: clinical testing. Allele origin: germline.
Comment: This sequence change replaces leucine, which is neutral and non-polar, with isoleucine, which is neutral and non-polar, at codon 2558 of the SPEG protein (p.Leu2558Ile). This variant is present in population databases (rs370944996, gnomAD 0.03%). This variant has not been reported in the literature in individuals affected with SPEG-related conditions. Algorithms developed to predict the effect of missense changes on protein structure and function (SIFT, PolyPhen-2, Align-GVGD) all suggest that this variant is likely to be tolerated. In summary, the available evidence is currently insufficient to determine the role of this variant in disease. Therefore, it has been classified as a Variant of Uncertain Significance.